The following is an entry in ClinVar:

ClinVar aggregate classification (germline): Uncertain significance (1 of 4 stars; one submission).

Allele frequency attached by ClinVar (database versions not stated): gnomAD exomes below 0.00001.
gnomAD v4.1: 1 of 1,612,230 alleles (0.000062%); highest among the groups gnomAD compares: Non-Finnish European, 0.000085%; no homozygotes.

Submission:

CeGaT Center for Human Genetics Tuebingen
Classification: Uncertain significance. Last evaluated: 2024-02-01. Review status: criteria provided, single submitter. Criteria: CeGaT Center For Human Genetics Tuebingen Variant Classification Criteria Version 2. Collection method: clinical testing. Allele origin: germline. Affected: yes. Observed: 1 variant allele.
Comment: GRIA4: PM2

NM_000829.4(GRIA4):c.949A>T (p.Arg317Trp)

Gene: GRIA4 (glutamate ionotropic receptor AMPA type subunit 4; plus strand). Cytogenetic location: 11q22.3.
Variant type: single nucleotide variant.
Coding change: c.949A>T on transcript NM_000829.4 (MANE Select); coding-DNA position 949, A replaced by T.
Protein change: p.Arg317Trp; replaces arginine 317 with tryptophan.
Molecular consequence: missense variant. On other transcripts: non-coding transcript variant (1).
Genome position (GRCh38, 1-based): chr11:105,903,877, A>T. VCF-style: chr11-105903877-A-T. GRCh37 (hg19) VCF-style: chr11-105774603-A-T.
Other names: c.949A>T, p.Arg317Trp (NM_001077243.3, NM_001077244.2, NM_001112812.2); short protein forms R317W.
Identifiers: ClinVar variation 3027092 (VCV003027092.22), dbSNP rs2497813448, ClinGen allele CA382303401.